The following is an entry in ClinVar:

ClinVar aggregate classification (germline): Uncertain significance. Review status: criteria provided, multiple submitters, no conflicts (2 of 4 stars). 2 submissions from 2 submitters: Uncertain significance (2). Last evaluated 2024-11-28.

Conditions:
Inborn genetic diseases. Identifiers: MedGen C0950123, MeSH D030342.

Allele frequency attached by ClinVar (database versions not stated): gnomAD exomes below 0.00001; TOPMed below 0.00001.
gnomAD v4.1: 6 of 1,613,992 alleles (0.00037%); highest among the groups gnomAD compares: African/African-American, 0.0013%; no homozygotes.

Submissions (2):

Ambry Genetics
Classification: Uncertain significance for Inborn genetic diseases. Last evaluated: 2024-11-28. Review status: criteria provided, single submitter. Criteria: Ambry Variant Classification Scheme 2023. Collection method: clinical testing. Allele origin: germline.
Comment: The p.L632S variant (also known as c.1895T>C), located in coding exon 1 of the SAMD9 gene, results from a T to C substitution at nucleotide position 1895. The leucine at codon 632 is replaced by serine, an amino acid with dissimilar properties. This amino acid position is conserved. In addition, this alteration is predicted to be tolerated by in silico analysis. Based on the available evidence, the clinical significance of this variant remains unclear.

Labcorp Genetics (formerly Invitae), Labcorp
Classification: Uncertain significance. Last evaluated: 2021-11-13. Review status: criteria provided, single submitter. Criteria: Invitae Variant Classification Sherloc (09022015). Collection method: clinical testing. Allele origin: germline.
Comment: In summary, the available evidence is currently insufficient to determine the role of this variant in disease. Therefore, it has been classified as a Variant of Uncertain Significance. Algorithms developed to predict the effect of missense changes on protein structure and function are either unavailable or do not agree on the potential impact of this missense change (SIFT: "Deleterious"; PolyPhen-2: "Probably Damaging"; Align-GVGD: "Class C0"). This variant has not been reported in the literature in individuals affected with SAMD9-related conditions. This variant is present in population databases (rs755177438, gnomAD 0.0009%). This sequence change replaces leucine, which is neutral and non-polar, with serine, which is neutral and polar, at codon 632 of the SAMD9 protein (p.Leu632Ser).

NM_017654.4(SAMD9):c.1895T>C (p.Leu632Ser)

Gene: SAMD9 (sterile alpha motif domain containing 9; minus strand). Cytogenetic location: 7q21.2.
Variant type: single nucleotide variant.
Coding change: c.1895T>C on transcript NM_017654.4 (MANE Select); coding-DNA position 1895, T replaced by C.
Protein change: p.Leu632Ser; replaces leucine 632 with serine.
Molecular consequence: missense variant.
Genome position (GRCh38, 1-based): chr7:93,104,203, A>G on the plus strand (T>C on the coding strand, the complement: SAMD9 is on the minus strand). VCF-style: chr7-93104203-A-G. GRCh37 (hg19) VCF-style: chr7-92733516-A-G.
Other names: c.1895T>C (NM_017654.3); c.1895T>C, p.Leu632Ser (NM_001193307.2); short protein forms L632S.
Identifiers: ClinVar variation 1466673 (VCV001466673.7), dbSNP rs755177438, ClinGen allele CA161992329.
Genomic context (GRCh38, chr7:93,104,203, plus strand): 5'-AGAGCAGTCATGATATCTTCTTCCTTTTTCAGAAGGACAGTCGATAAACCAATAGATGGC[A>G]AAAGCCTTTTTGAAGATTGAGTCACAGATTTTAGTTTAAGAATAGTGCCATTGATCTCTT-3'
Protein context (NP_060124.2, residues 622-642): KSVTQSSKRL[Leu632Ser]PSIGLSTVLL